The following is an entry in ClinVar:

ClinVar aggregate classification (germline): Uncertain significance (1 of 4 stars; one submission).

Allele frequency attached by ClinVar (database versions not stated): gnomAD exomes below 0.00001; TOPMed below 0.00001; gnomAD 0.00001.
gnomAD v4.1: 2 of 1,604,416 alleles (0.00012%); highest among the groups gnomAD compares: Non-Finnish European, 0.00017%; no homozygotes.

Submission:

Labcorp Genetics (formerly Invitae), Labcorp
Classification: Uncertain significance. Last evaluated: 2022-09-27. Review status: criteria provided, single submitter. Criteria: Invitae Variant Classification Sherloc (09022015). Collection method: clinical testing. Allele origin: germline.
Comment: This sequence change falls in intron 41 of the MYO7A gene. It does not directly change the encoded amino acid sequence of the MYO7A protein. It affects a nucleotide within the consensus splice site. This variant is not present in population databases (gnomAD no frequency). This variant has not been reported in the literature in individuals affected with MYO7A-related conditions. Variants that disrupt the consensus splice site are a relatively common cause of aberrant splicing (PMID: 17576681, 9536098). Algorithms developed to predict the effect of sequence changes on RNA splicing suggest that this variant is not likely to affect RNA splicing. In summary, the available evidence is currently insufficient to determine the role of this variant in disease. Therefore, it has been classified as a Variant of Uncertain Significance.

Literature cited by the submitters: PubMed 17576681; PubMed 9536098.

NM_000260.4(MYO7A):c.5742+6G>A

Gene: MYO7A (myosin VIIA; plus strand). Cytogenetic location: 11q13.5.
Variant type: single nucleotide variant.
Coding change: c.5742+6G>A on transcript NM_000260.4 (MANE Select); 6 bases into the intron after coding-DNA position 5742, G replaced by A.
Molecular consequence: intron variant.
Genome position (GRCh38, 1-based): chr11:77,206,208, G>A. VCF-style: chr11-77206208-G-A. GRCh37 (hg19) VCF-style: chr11-76917253-G-A.
Other names: c.5595+6G>A (NM_001369365.1); c.5628+6G>A (NM_001127180.2).
Identifiers: ClinVar variation 2160333 (VCV002160333.1), dbSNP rs1957437240, ClinGen allele CA939791065.